The following is an entry in ClinVar:

NM_002691.4(POLD1):c.2369T>A (p.Ile790Asn)

Gene: POLD1 (DNA polymerase delta 1, catalytic subunit; plus strand). Cytogenetic location: 19q13.33.
Variant type: single nucleotide variant.
Coding change: c.2369T>A on transcript NM_002691.4 (MANE Select); coding-DNA position 2369, T replaced by A.
Protein change: p.Ile790Asn; replaces isoleucine 790 with asparagine.
Molecular consequence: missense variant. On other transcripts: non-coding transcript variant (1).
Genome position (GRCh38, 1-based): chr19:50,413,860, T>A. VCF-style: chr19-50413860-T-A. GRCh37 (hg19) VCF-style: chr19-50917117-T-A.
Other names: c.2369T>A, p.Ile790Asn (NM_001256849.1); c.2447T>A, p.Ile816Asn (NM_001308632.1); short protein forms I790N, I816N.
Identifiers: ClinVar variation 2102991 (VCV002102991.4), dbSNP rs2514041266, ClinGen allele CA406984357.

ClinVar aggregate classification (germline): Uncertain significance (1 of 4 stars; one submission).

Conditions:
POLD1-related polyposis and colorectal cancer syndrome (CRCS10). Also called: Colorectal cancer 10; COLORECTAL CANCER, SUSCEPTIBILITY TO, ON CHROMOSOME 19q; Colorectal cancer, susceptibility to, 10. Identifiers: Orphanet 220460, MedGen C2675481, MONDO:0012953, OMIM 612591.

Submission:

Labcorp Genetics (formerly Invitae), Labcorp
Classification: Uncertain significance for POLD1-related polyposis and colorectal cancer syndrome. Last evaluated: 2022-03-10. Review status: criteria provided, single submitter. Criteria: Invitae Variant Classification Sherloc (09022015). Collection method: clinical testing. Allele origin: germline.
Comment: In summary, the available evidence is currently insufficient to determine the role of this variant in disease. Therefore, it has been classified as a Variant of Uncertain Significance. Algorithms developed to predict the effect of missense changes on protein structure and function are either unavailable or do not agree on the potential impact of this missense change (SIFT: "Deleterious"; PolyPhen-2: "Probably Damaging"; Align-GVGD: "Class C0"). This variant has not been reported in the literature in individuals affected with POLD1-related conditions. This variant is not present in population databases (gnomAD no frequency). This sequence change replaces isoleucine, which is neutral and non-polar, with asparagine, which is neutral and polar, at codon 790 of the POLD1 protein (p.Ile790Asn).